The following is an entry in ClinVar:

NM_005647.4(TBL1X):c.1505C>T (p.Thr502Met)

Gene: TBL1X (transducin beta like 1 X-linked; plus strand). Cytogenetic location: Xp22.2.
Variant type: single nucleotide variant.
Coding change: c.1505C>T on transcript NM_005647.4 (MANE Select); coding-DNA position 1505, C replaced by T.
Protein change: p.Thr502Met; replaces threonine 502 with methionine.
Molecular consequence: missense variant.
Genome position (GRCh38, 1-based): chrX:9,711,676, C>T. VCF-style: chrX-9711676-C-T. GRCh37 (hg19) VCF-style: chrX-9679716-C-T.
Other names: c.1505C>T, p.Thr502Met (NM_001139466.1); c.1352C>T, p.Thr451Met (NM_001139467.1, NM_001139468.1); short protein forms T451M, T502M.
Identifiers: ClinVar variation 3381466 (VCV003381466.1).

ClinVar aggregate classification (germline): Uncertain significance (1 of 4 stars; one submission).

gnomAD v4.1: 6 of 1,209,093 alleles (0.0005%); highest among the groups gnomAD compares: South Asian, 0.0053%; 1 homozygote.

Submission:

GeneDx
Classification: Uncertain significance. Last evaluated: 2024-05-13. Review status: criteria provided, single submitter. Criteria: GeneDx Variant Classification Process June 2021. Collection method: clinical testing. Allele origin: germline. Affected: yes.
Comment: Not observed at significant frequency in large population cohorts (gnomAD); In silico analysis supports that this missense variant has a deleterious effect on protein structure/function; Has not been previously published as pathogenic or benign to our knowledge